The following is an entry in ClinVar:

ClinVar aggregate classification (germline): Uncertain significance. Review status: criteria provided, multiple submitters, no conflicts (2 of 4 stars). 2 submissions from 2 submitters: Uncertain significance (2). Last evaluated 2025-08-04.

Submissions (2):

Labcorp Genetics (formerly Invitae), Labcorp
Classification: Uncertain significance. Last evaluated: 2025-08-04. Review status: criteria provided, single submitter. Criteria: Invitae Variant Classification Sherloc (09022015). Collection method: clinical testing. Allele origin: germline.
Comment: This sequence change replaces glycine, which is neutral and non-polar, with serine, which is neutral and polar, at codon 238 of the SH2B1 protein (p.Gly238Ser). This variant is not present in population databases (gnomAD no frequency). This variant has not been reported in the literature in individuals affected with SH2B1-related conditions. An algorithm developed to predict the effect of missense changes on protein structure and function (PolyPhen-2) suggests that this variant is likely to be tolerated. In summary, the available evidence is currently insufficient to determine the role of this variant in disease. Therefore, it has been classified as a Variant of Uncertain Significance.

GeneDx
Classification: Uncertain significance. Last evaluated: 2025-06-17. Review status: criteria provided, single submitter. Criteria: GeneDx Variant Classification Process June 2021. Collection method: clinical testing. Allele origin: germline. Affected: yes.
Comment: Not observed at significant frequency in large population cohorts (gnomAD); In silico analysis suggests that this missense variant does not alter protein structure/function; Has not been previously published as pathogenic or benign to our knowledge

NM_001387430.1(SH2B1):c.712G>A (p.Gly238Ser)

Gene: SH2B1 (SH2B adaptor protein 1; plus strand). Cytogenetic location: 16p11.2.
Variant type: single nucleotide variant.
Coding change: c.712G>A on transcript NM_001387430.1 (MANE Select); coding-DNA position 712, G replaced by A.
Protein change: p.Gly238Ser; replaces glycine 238 with serine.
Molecular consequence: missense variant. On other transcripts: intron variant (1).
Genome position (GRCh38, 1-based): chr16:28,866,806, G>A. VCF-style: chr16-28866806-G-A. GRCh37 (hg19) VCF-style: chr16-28878127-G-A.
Other names: c.712G>A, p.Gly238Ser (NM_001145795.2, NM_001145796.2, NM_001145797.2 and 4 more transcripts); c.-26-568G>A (NM_001308294.2); short protein forms G238S.
Identifiers: ClinVar variation 4538883 (VCV004538883.2).